The following is an entry in ClinVar:

ClinVar aggregate classification (germline): Uncertain significance. Review status: criteria provided, multiple submitters, no conflicts (2 of 4 stars). 2 submissions from 2 submitters: Uncertain significance (2). Last evaluated 2024-07-26.

Conditions:
Inborn genetic diseases. Identifiers: MedGen C0950123, MeSH D030342.

Allele frequency attached by ClinVar (database versions not stated): gnomAD 0.00003; TOPMed 0.00003.
gnomAD v4.1: 11 of 1,562,048 alleles (0.0007%); highest among the groups gnomAD compares: Admixed American, 0.0018%; no homozygotes.

Submissions (2):

Ambry Genetics
Classification: Uncertain significance for Inborn genetic diseases. Last evaluated: 2024-07-26. Review status: criteria provided, single submitter. Criteria: Ambry Variant Classification Scheme 2023. Collection method: clinical testing. Allele origin: germline.

Labcorp Genetics (formerly Invitae), Labcorp
Classification: Uncertain significance. Last evaluated: 2022-07-19. Review status: criteria provided, single submitter. Criteria: Invitae Variant Classification Sherloc (09022015). Collection method: clinical testing. Allele origin: germline.
Comment: In summary, the available evidence is currently insufficient to determine the role of this variant in disease. Therefore, it has been classified as a Variant of Uncertain Significance. Algorithms developed to predict the effect of missense changes on protein structure and function output the following: SIFT: "Tolerated"; PolyPhen-2: "Benign"; Align-GVGD: "Class C0". The serine amino acid residue is found in multiple mammalian species, which suggests that this missense change does not adversely affect protein function. ClinVar contains an entry for this variant (Variation ID: 964243). This variant has not been reported in the literature in individuals affected with ARHGEF18-related conditions. This variant is present in population databases (no rsID available, gnomAD 0.001%). This sequence change replaces proline, which is neutral and non-polar, with serine, which is neutral and polar, at codon 979 of the ARHGEF18 protein (p.Pro979Ser).

NM_001367823.1(ARHGEF18):c.3499C>T (p.Pro1167Ser)

Gene: ARHGEF18 (Rho/Rac guanine nucleotide exchange factor 18; plus strand). Cytogenetic location: 19p13.2.
Variant type: single nucleotide variant.
Coding change: c.3499C>T on transcript NM_001367823.1 (MANE Select); coding-DNA position 3499, C replaced by T.
Protein change: p.Pro1167Ser; replaces proline 1167 with serine.
Molecular consequence: missense variant.
Genome position (GRCh38, 1-based): chr19:7,468,843, C>T. VCF-style: chr19-7468843-C-T. GRCh37 (hg19) VCF-style: chr19-7533729-C-T.
Other names: c.2773C>T, p.Pro925Ser (NM_001130955.2); c.2461C>T, p.Pro821Ser (NM_001367824.1, NM_015318.4); short protein forms P925S, P821S, P1167S.
Identifiers: ClinVar variation 964243 (VCV000964243.9), dbSNP rs952122104, ClinGen allele CA304857347.